The following is an entry in ClinVar:

ClinVar aggregate classification (germline): Uncertain significance (1 of 4 stars; one submission).

Conditions:
ZDHHC16-related disorder.

gnomAD v4.1: 8 of 1,614,080 alleles (0.0005%); highest among the groups gnomAD compares: Admixed American, 0.0017%; no homozygotes.

Submission:

3billion
Classification: Uncertain significance for ZDHHC16-related disorder. Last evaluated: 2025-06-09. Review status: criteria provided, single submitter. Criteria: ACMG Guidelines, 2015. Collection method: clinical testing. Allele origin: germline. Affected: yes.
Comment: The variant is observed at an extremely low frequency in the gnomAD v4.1.0 dataset (total allele frequency: <0.001%). Predicted Consequence/Location: Missense variant In silico tool predictions suggest damaging effect of the variant on gene or gene product [3Cnet: 0.97 (> 0.75, sensitivity 0.96 and precision 0.92)]. Therefore, this variant is classified as VUS according to the recommendation of ACMG/AMP guideline.

NM_198046.3(ZDHHC16):c.593G>A (p.Arg198Gln)

Gene: ZDHHC16 (zDHHC palmitoyltransferase 16; plus strand). Cytogenetic location: 10q24.1.
Variant type: single nucleotide variant.
Coding change: c.593G>A on transcript NM_198046.3 (MANE Select); coding-DNA position 593, G replaced by A.
Protein change: p.Arg198Gln; replaces arginine 198 with glutamine.
Molecular consequence: missense variant. On other transcripts: non-coding transcript variant (1), intron variant (2).
Genome position (GRCh38, 1-based): chr10:97,453,566, G>A. VCF-style: chr10-97453566-G-A. GRCh37 (hg19) VCF-style: chr10-99213323-G-A.
Other names: c.593G>A, p.Arg198Gln (NM_001287803.2, NM_032327.4, NM_198043.3); c.398G>A, p.Arg133Gln (NM_198045.3); c.556+643G>A (NM_001287804.2); c.528-52G>A (NM_198044.3); short protein forms R133Q, R198Q.
Identifiers: ClinVar variation 4854424 (VCV004854424.1).